The following is an entry in ClinVar:

ClinVar aggregate classification (germline): Uncertain significance. Review status: criteria provided, single submitter (1 of 4 stars). 2 submissions from 2 submitters: Uncertain significance (1). 1 of the submissions does not count toward it. Last evaluated 2022-11-01.

Conditions:
Nemaline myopathy 2 (NEM2). Also called: Nemaline myopathy 2, autosomal recessive. Identifiers: MedGen C1850569, MONDO:0009725, OMIM 256030.

Submissions (2):

Labcorp Genetics (formerly Invitae), Labcorp
Classification: Uncertain significance for Nemaline myopathy 2. Last evaluated: 2022-11-01. Review status: criteria provided, single submitter. Criteria: Invitae Variant Classification Sherloc (09022015). Collection method: clinical testing. Allele origin: germline.
Comment: Algorithms developed to predict the effect of missense changes on protein structure and function are either unavailable or do not agree on the potential impact of this missense change (SIFT: "Deleterious"; PolyPhen-2: "Not Available"; Align-GVGD: "Class C0"). ClinVar contains an entry for this variant (Variation ID: 576911). This variant has not been reported in the literature in individuals affected with NEB-related conditions. This variant is not present in population databases (gnomAD no frequency). This sequence change replaces tyrosine, which is neutral and polar, with cysteine, which is neutral and slightly polar, at codon 639 of the NEB protein (p.Tyr639Cys). In summary, the available evidence is currently insufficient to determine the role of this variant in disease. Therefore, it has been classified as a Variant of Uncertain Significance.

Natera, Inc.
Classification: Uncertain significance for Nemaline myopathy type 2. Last evaluated: 2020-11-23. Review status: no assertion criteria provided. Collection method: clinical testing. Allele origin: germline. Not counted in ClinVar's aggregate classification.

NM_001164508.2(NEB):c.1916A>G (p.Tyr639Cys)

Gene: NEB (nebulin; minus strand). Cytogenetic location: 2q23.3.
Variant type: single nucleotide variant.
Coding change: c.1916A>G on transcript NM_001164508.2 (MANE Select); coding-DNA position 1916, A replaced by G.
Protein change: p.Tyr639Cys; replaces tyrosine 639 with cysteine.
Molecular consequence: missense variant.
Genome position (GRCh38, 1-based): chr2:151,692,343, T>C on the plus strand (A>G on the coding strand, the complement: NEB is on the minus strand). VCF-style: chr2-151692343-T-C. GRCh37 (hg19) VCF-style: chr2-152548857-T-C.
Other names: c.1916A>G, p.Tyr639Cys (NM_001164507.2, NM_001271208.2, NM_004543.5); short protein forms Y639C.
Identifiers: ClinVar variation 576911 (VCV000576911.9), dbSNP rs1559315113, ClinGen allele CA348824225.
Genomic context (GRCh38, chr2:151,692,343, plus strand): 5'-GTATCAAGTTGATATTTTGGGGTCTCACAGTAATTCATACTCTTTGCCTTTGTCTTCTCA[T>C]AGTTTTCCTTGTATAATCTCTGTTAAAGGAAAAATAAATTAAACCAAAAAGAAAGAAATA-3'
Protein context (NP_001157980.2, residues 629-649): NQSDRLYKEN[Tyr639Cys]EKTKAKSMNY